The following is an entry in ClinVar:

ClinVar aggregate classification (germline): Uncertain significance (1 of 4 stars; one submission).

Allele frequency attached by ClinVar (database versions not stated): gnomAD exomes below 0.00001; ExAC 0.00001.

Submission:

Labcorp Genetics (formerly Invitae), Labcorp
Classification: Uncertain significance. Last evaluated: 2023-08-17. Review status: criteria provided, single submitter. Criteria: Invitae Variant Classification Sherloc (09022015). Collection method: clinical testing. Allele origin: germline.
Comment: In summary, the available evidence is currently insufficient to determine the role of this variant in disease. Therefore, it has been classified as a Variant of Uncertain Significance. An algorithm developed to predict the effect of missense changes on protein structure and function (PolyPhen-2) suggests that this variant is likely to be disruptive. ClinVar contains an entry for this variant (Variation ID: 1510356). This variant has not been reported in the literature in individuals affected with TCF20-related conditions. This variant is present in population databases (rs762559819, gnomAD 0.003%). This sequence change replaces glutamine, which is neutral and polar, with arginine, which is basic and polar, at codon 154 of the TCF20 protein (p.Gln154Arg).

NM_001378418.1(TCF20):c.461A>G (p.Gln154Arg)

Gene: TCF20 (transcription factor 20; minus strand). Cytogenetic location: 22q13.2.
Variant type: single nucleotide variant.
Coding change: c.461A>G on transcript NM_001378418.1 (MANE Select); coding-DNA position 461, A replaced by G.
Protein change: p.Gln154Arg; replaces glutamine 154 with arginine.
Molecular consequence: missense variant.
Genome position (GRCh38, 1-based): chr22:42,214,845, T>C on the plus strand (A>G on the coding strand, the complement: TCF20 is on the minus strand). VCF-style: chr22-42214845-T-C. GRCh37 (hg19) VCF-style: chr22-42610851-T-C.
Other names: c.461A>G, p.Gln154Arg (NM_005650.4, NM_181492.3); short protein forms Q154R.
Identifiers: ClinVar variation 1510356 (VCV001510356.6), dbSNP rs762559819, ClinGen allele CA10267351.